The following is an entry in ClinVar:

NM_000384.3(APOB):c.8401T>C (p.Leu2801=)

Gene: APOB (apolipoprotein B; minus strand). Cytogenetic location: 2p24.1.
Variant type: single nucleotide variant.
Coding change: c.8401T>C on transcript NM_000384.3 (MANE Select); coding-DNA position 8401, T replaced by C.
Protein change: p.Leu2801=; no amino-acid change (leucine 2801 retained).
Molecular consequence: synonymous variant.
Genome position (GRCh38, 1-based): chr2:21,008,467, A>G on the plus strand (T>C on the coding strand, the complement: APOB is on the minus strand). VCF-style: chr2-21008467-A-G. GRCh37 (hg19) VCF-style: chr2-21231339-A-G.
Identifiers: ClinVar variation 928185 (VCV000928185.5), dbSNP rs751460215, ClinGen allele CA065636.

ClinVar aggregate classification (germline): Likely benign. Review status: criteria provided, multiple submitters, no conflicts (2 of 4 stars). 2 submissions from 2 submitters: Likely benign (2). Last evaluated 2026-03-05.

Conditions:
Familial hypercholesterolemia. Also called: Familial hypercholesterolemias; Familial hypercholesterolaemia. Identifiers: MedGen C0020445, MONDO:0005439.
Cardiovascular phenotype. Identifiers: MedGen CN230736.

Allele frequency attached by ClinVar (database versions not stated): gnomAD exomes below 0.00001 and 0.00001; TOPMed below 0.00001; ExAC 0.00002.
gnomAD v4.1: 1 of 1,614,078 alleles (0.000062%); highest among the groups gnomAD compares: Non-Finnish European, 0.000085%; no homozygotes.

Submissions (2):

GENinCode PLC
Classification: Likely benign for Familial hypercholesterolemia. Last evaluated: 2026-03-05. Review status: criteria provided, single submitter. Criteria: ACMG Guidelines, 2015. Collection method: clinical testing. Allele origin: germline.
Comment: This is a synonymous (silent) variant that is not predicted to impact splicing and occurs at a nucleotide which is not highly conserved. This variant has been classified as Likely Benign (BP4, BP7).

Ambry Genetics
Classification: Likely benign for Cardiovascular phenotype. Last evaluated: 2021-06-30. Review status: criteria provided, single submitter. Criteria: Ambry Variant Classification Scheme 2023. Collection method: clinical testing. Allele origin: germline.